The following is an entry in ClinVar:

ClinVar aggregate classification (germline): Uncertain significance (1 of 4 stars; one submission).

Conditions:
Werner syndrome (WRN). Identifiers: Orphanet 902, MedGen C0043119, MONDO:0010196, OMIM 277700.

Allele frequency attached by ClinVar (database versions not stated): gnomAD exomes below 0.00001; TOPMed below 0.00001.
gnomAD v4.1: 1 of 1,613,040 alleles (0.000062%); no homozygotes.

Submission:

Labcorp Genetics (formerly Invitae), Labcorp
Classification: Uncertain significance for Werner syndrome. Last evaluated: 2024-07-29. Review status: criteria provided, single submitter. Criteria: Invitae Variant Classification Sherloc (09022015). Collection method: clinical testing. Allele origin: germline.
Comment: This sequence change replaces lysine, which is basic and polar, with arginine, which is basic and polar, at codon 590 of the WRN protein (p.Lys590Arg). This variant is present in population databases (no rsID available, gnomAD 0.007%). This variant has not been reported in the literature in individuals affected with WRN-related conditions. ClinVar contains an entry for this variant (Variation ID: 403983). An algorithm developed to predict the effect of missense changes on protein structure and function outputs the following: PolyPhen-2: "Benign". The arginine amino acid residue is found in multiple mammalian species, which suggests that this missense change does not adversely affect protein function. In summary, the available evidence is currently insufficient to determine the role of this variant in disease. Therefore, it has been classified as a Variant of Uncertain Significance.

NM_000553.6(WRN):c.1769A>G (p.Lys590Arg)

Gene: WRN (WRN RecQ like helicase; plus strand). Cytogenetic location: 8p12.
Variant type: single nucleotide variant.
Coding change: c.1769A>G on transcript NM_000553.6 (MANE Select); coding-DNA position 1769, A replaced by G.
Protein change: p.Lys590Arg; replaces lysine 590 with arginine.
Molecular consequence: missense variant.
Genome position (GRCh38, 1-based): chr8:31,090,882, A>G. VCF-style: chr8-31090882-A-G. GRCh37 (hg19) VCF-style: chr8-30948398-A-G.
Other names: short protein forms K590R.
Identifiers: ClinVar variation 403983 (VCV000403983.7), dbSNP rs1060500059, ClinGen allele CA16612429.